The following is an entry in ClinVar:

ClinVar aggregate classification (germline): Conflicting classifications of pathogenicity. Review status: criteria provided, conflicting classifications (1 of 4 stars). 6 submissions from 6 submitters: Uncertain significance (4); Likely benign (2). Last evaluated 2026-03-05.

Conditions:
Cardiovascular phenotype. Identifiers: MedGen CN230736.

Allele frequency attached by ClinVar (database versions not stated): ExAC 0.00011; TOPMed 0.00012; gnomAD 0.00029.
gnomAD v4.1: 145 of 1,550,266 alleles (0.0094%); highest among the groups gnomAD compares: Non-Finnish European, 0.012%; no homozygotes.

Submissions (6):

Women's Health and Genetics/Laboratory Corporation of America, LabCorp
Classification: Uncertain significance. Last evaluated: 2026-03-05. Review status: criteria provided, single submitter. Criteria: LabCorp Variant Classification Summary - May 2015. Collection method: clinical testing. Allele origin: germline.
Comment: Variant summary: ZNF469 c.6629T>C (p.Leu2210Pro) results in a non-conservative amino acid change in the encoded protein sequence. Algorithms developed to predict the effect of missense changes on protein structure and function are either unavailable or do not agree on the potential impact of this missense change. The variant allele was found at a frequency of 7.8e-05 in 153726 control chromosomes. This frequency is not significantly higher than estimated for disease-causing variants in ZNF469, allowing no conclusion about variant significance. To our knowledge, no occurrence of c.6629T>C in individuals affected with ZNF469-related conditions and no experimental evidence demonstrating its impact on protein function have been reported. ClinVar contains an entry for this variant (Variation ID: 444386). Based on the evidence outlined above, the variant was classified as uncertain significance.

Mayo Clinic Laboratories, Mayo Clinic
Classification: Likely benign. Last evaluated: 2025-09-05. Review status: criteria provided, single submitter. Criteria: ACMG Guidelines, 2015. Collection method: clinical testing. Allele origin: germline. Observed: 3 variant alleles.
Comment: BS1, BP4

GeneDx
Classification: Uncertain significance. Last evaluated: 2024-12-16. Review status: criteria provided, single submitter. Criteria: GeneDx Variant Classification Process June 2021. Collection method: clinical testing. Allele origin: germline. Affected: yes.
Comment: In silico analysis supports that this missense variant does not alter protein structure/function; Has not been previously published as pathogenic or benign to our knowledge

Ambry Genetics
Classification: Likely benign for Cardiovascular phenotype. Last evaluated: 2024-11-09. Review status: criteria provided, single submitter. Criteria: Ambry Variant Classification Scheme 2023. Collection method: clinical testing. Allele origin: germline.

Labcorp Genetics (formerly Invitae), Labcorp
Classification: Uncertain significance. Last evaluated: 2022-08-15. Review status: criteria provided, single submitter. Criteria: Invitae Variant Classification Sherloc (09022015). Collection method: clinical testing. Allele origin: germline.
Comment: This sequence change replaces leucine, which is neutral and non-polar, with proline, which is neutral and non-polar, at codon 2182 of the ZNF469 protein (p.Leu2182Pro). This variant is present in population databases (rs564413710, gnomAD 0.03%). This variant has not been reported in the literature in individuals affected with ZNF469-related conditions. ClinVar contains an entry for this variant (Variation ID: 444386). Algorithms developed to predict the effect of missense changes on protein structure and function output the following: SIFT: "Tolerated"; PolyPhen-2: "Benign"; Align-GVGD: "Class C0". The proline amino acid residue is found in multiple mammalian species, which suggests that this missense change does not adversely affect protein function. In summary, the available evidence is currently insufficient to determine the role of this variant in disease. Therefore, it has been classified as a Variant of Uncertain Significance.

CeGaT Center for Human Genetics Tuebingen
Classification: Uncertain significance. Last evaluated: 2021-06-01. Review status: criteria provided, single submitter. Criteria: CeGaT Center For Human Genetics Tuebingen Variant Classification Criteria Version 2. Collection method: clinical testing. Allele origin: germline. Affected: yes. Observed: 2 variant alleles.

NM_001367624.2(ZNF469):c.6629T>C (p.Leu2210Pro)

Gene: ZNF469 (zinc finger protein 469; plus strand). Cytogenetic location: 16q24.2.
Variant type: single nucleotide variant.
Coding change: c.6629T>C on transcript NM_001367624.2 (MANE Select); coding-DNA position 6629, T replaced by C.
Protein change: p.Leu2210Pro; replaces leucine 2210 with proline.
Molecular consequence: missense variant.
Genome position (GRCh38, 1-based): chr16:88,434,099, T>C. VCF-style: chr16-88434099-T-C. GRCh37 (hg19) VCF-style: chr16-88500507-T-C.
Other names: NM_001127464.1:c.6545T>C; p.Leu2210Pro; short protein forms L2210P.
Identifiers: ClinVar variation 444386 (VCV000444386.50), dbSNP rs564413710, ClinGen allele CA8225169.